The following is an entry in ClinVar:

ClinVar aggregate classification (germline): Conflicting classifications of pathogenicity. Review status: criteria provided, conflicting classifications (1 of 4 stars). 4 submissions from 4 submitters: Uncertain significance (3); Likely benign (1). Last evaluated 2024-09-01.

Conditions:
Upshaw-Schulman syndrome (TTP). Also called: Congenital thrombotic thrombocytopenic purpura; THROMBOTIC THROMBOCYTOPENIC PURPURA, HEREDITARY. Identifiers: Orphanet 93583, MedGen C1268935, MONDO:0010122, OMIM 274150.

Allele frequency attached by ClinVar (database versions not stated): ExAC 0.00014; TOPMed 0.00015; gnomAD 0.00017 and 0.00019; gnomAD exomes 0.00019 and 0.00027; ESP Exome Variant Server 0.00031.
gnomAD v4.1: 418 of 1,613,712 alleles (0.026%); highest among the groups gnomAD compares: Non-Finnish European, 0.032%; 1 homozygote.

Submissions (4):

CeGaT Center for Human Genetics Tuebingen
Classification: Uncertain significance. Last evaluated: 2024-09-01. Review status: criteria provided, single submitter. Criteria: CeGaT Center For Human Genetics Tuebingen Variant Classification Criteria Version 2. Collection method: clinical testing. Allele origin: germline. Affected: yes. Observed: 1 variant allele.
Comment: ADAMTS13: PM2, BP4

Fulgent Genetics
Classification: Likely benign for Upshaw-Schulman syndrome. Last evaluated: 2024-03-07. Review status: criteria provided, single submitter. Criteria: ACMG Guidelines, 2015. Collection method: clinical testing. Allele origin: germline.

Labcorp Genetics (formerly Invitae), Labcorp
Classification: Uncertain significance. Last evaluated: 2022-05-07. Review status: criteria provided, single submitter. Criteria: Invitae Variant Classification Sherloc (09022015). Collection method: clinical testing. Allele origin: germline.
Comment: This sequence change replaces arginine, which is basic and polar, with histidine, which is basic and polar, at codon 670 of the ADAMTS13 protein (p.Arg670His). This variant is present in population databases (rs149953167, gnomAD 0.03%). This missense change has been observed in individual(s) with ADAMTS13-related conditions (PMID: 23648131). Algorithms developed to predict the effect of missense changes on protein structure and function output the following: SIFT: "Tolerated"; PolyPhen-2: "Benign"; Align-GVGD: "Class C0". The histidine amino acid residue is found in multiple mammalian species, which suggests that this missense change does not adversely affect protein function. In summary, the available evidence is currently insufficient to determine the role of this variant in disease. Therefore, it has been classified as a Variant of Uncertain Significance.

Mayo Clinic Laboratories, Mayo Clinic
Classification: Uncertain significance. Last evaluated: 2021-04-12. Review status: criteria provided, single submitter. Criteria: ACMG Guidelines, 2015. Collection method: clinical testing. Allele origin: germline.

Literature cited by the submitters: PubMed 23648131 (cited by Labcorp Genetics (formerly Invitae), Labcorp).

NM_139027.6(ADAMTS13):c.2009G>A (p.Arg670His)

Gene: ADAMTS13 (ADAM metallopeptidase with thrombospondin type 1 motif 13; plus strand). Cytogenetic location: 9q34.2.
Variant type: single nucleotide variant.
Coding change: c.2009G>A on transcript NM_139027.6 (MANE Select); coding-DNA position 2009, G replaced by A.
Protein change: p.Arg670His; replaces arginine 670 with histidine.
Molecular consequence: missense variant.
Genome position (GRCh38, 1-based): chr9:133,442,439, G>A. VCF-style: chr9-133442439-G-A. GRCh37 (hg19) VCF-style: chr9-136307560-G-A.
Other names: p.Arg670His; c.2009G>A, p.Arg670His (NM_139025.5); c.1916G>A, p.Arg639His (NM_139026.6); short protein forms R639H, R670H.
Identifiers: ClinVar variation 1694012 (VCV001694012.24), dbSNP rs149953167, ClinGen allele CA200933871.
Genomic context (GRCh38, chr9:133,442,439, plus strand): 5'-CTGAAGCTCTTTGTCTGCAGGTTTACAGGCGGTATGGCGAGGAGTATGGCAACCTCACCC[G>A]CCCAGACATCACCTTCACCTACTTCCAGCCTAAGCCACGGCAGGCCTGGGTGTGGGCCGC-3'
Protein context (NP_620596.2, residues 660-680): RYGEEYGNLT[Arg670His]PDITFTYFQP